The following is an entry in ClinVar:

NM_002941.4(ROBO1):c.2312T>A (p.Leu771Gln)

Gene: ROBO1 (roundabout guidance receptor 1; minus strand). Cytogenetic location: 3p12.3.
Variant type: single nucleotide variant.
Coding change: c.2312T>A on transcript NM_002941.4 (MANE Select); coding-DNA position 2312, T replaced by A.
Protein change: p.Leu771Gln; replaces leucine 771 with glutamine.
Molecular consequence: missense variant.
Genome position (GRCh38, 1-based): chr3:78,661,038, A>T on the plus strand (T>A on the coding strand, the complement: ROBO1 is on the minus strand). VCF-style: chr3-78661038-A-T. GRCh37 (hg19) VCF-style: chr3-78710188-A-T.
Other names: c.2204T>A, p.Leu735Gln (NM_001145845.2, NM_133631.4); short protein forms L735Q, L771Q.
Identifiers: ClinVar variation 3618760 (VCV003618760.2).
Genomic context (GRCh38, chr3:78,661,038, plus strand): 5'-TTCTAACAAATATACTGCAATGCATGGAAATCAAACGCTTCATCATACTTGCCTTCTTCC[A>T]GGGTTTTGGCAAACTTGATTTCACTATCTGCTCCTTGAAATTCATTAAAAAAAGGGCGAG-3'
Protein context (NP_002932.1, residues 761-781): ADSEIKFAKT[Leu771Gln]EEAPSAPPQG

ClinVar aggregate classification (germline): Uncertain significance (1 of 4 stars; one submission).

gnomAD v4.1: 2 of 1,611,306 alleles (0.00012%); highest among the groups gnomAD compares: Admixed American, 0.0033%; no homozygotes.

Submission:

Labcorp Genetics (formerly Invitae), Labcorp
Classification: Uncertain significance. Last evaluated: 2025-02-03. Review status: criteria provided, single submitter. Criteria: Invitae Variant Classification Sherloc (09022015). Collection method: clinical testing. Allele origin: germline.
Comment: This sequence change replaces leucine, which is neutral and non-polar, with glutamine, which is neutral and polar, at codon 771 of the ROBO1 protein (p.Leu771Gln). This variant is present in population databases (rs762227194, gnomAD 0.01%). This variant has not been reported in the literature in individuals affected with ROBO1-related conditions. Invitae Evidence Modeling of protein sequence and biophysical properties (such as structural, functional, and spatial information, amino acid conservation, physicochemical variation, residue mobility, and thermodynamic stability) indicates that this missense variant is not expected to disrupt ROBO1 protein function with a negative predictive value of 95%. In summary, the available evidence is currently insufficient to determine the role of this variant in disease. Therefore, it has been classified as a Variant of Uncertain Significance.